The following is an entry in ClinVar:

NM_001329943.3(KIAA0586):c.2060G>T (p.Gly687Val)

Gene: KIAA0586 (KIAA0586; plus strand). Cytogenetic location: 14q23.1.
Variant type: single nucleotide variant.
Coding change: c.2060G>T on transcript NM_001329943.3 (MANE Select); coding-DNA position 2060, G replaced by T.
Protein change: p.Gly687Val; replaces glycine 687 with valine.
Molecular consequence: missense variant.
Genome position (GRCh38, 1-based): chr14:58,465,835, G>T. VCF-style: chr14-58465835-G-T. GRCh37 (hg19) VCF-style: chr14-58932553-G-T.
Other names: c.2219G>T, p.Gly740Val (NM_001244189.2); c.2015G>T, p.Gly672Val (NM_001244190.2); c.1805G>T, p.Gly602Val (NM_001244191.2, NM_001329945.2, NM_001364700.1 and 1 more transcripts); c.1928G>T, p.Gly643Val (NM_001244192.2); c.1640G>T, p.Gly547Val (NM_001244193.2); c.2060G>T, p.Gly687Val (NM_001329944.2, NM_001329946.2, NM_001329947.2); c.1832G>T, p.Gly611Val (NM_014749.5); short protein forms G547V, G602V, G611V, G643V, G672V, G687V, G740V.
Identifiers: ClinVar variation 2046394 (VCV002046394.4), dbSNP rs757277100, ClinGen allele CA7205779.

ClinVar aggregate classification (germline): Uncertain significance (1 of 4 stars; one submission).

Conditions:
Joubert syndrome 23 (JBTS23). Identifiers: Orphanet 475, MedGen C4084822, MONDO:0014664, OMIM 616490.
Short-rib thoracic dysplasia 14 with polydactyly (SRTD14). Identifiers: Orphanet 397715, MedGen C4225286, MONDO:0014688, OMIM 616546.

Allele frequency attached by ClinVar (database versions not stated): gnomAD exomes below 0.00001; TOPMed below 0.00001; ExAC 0.00001.
gnomAD v4.1: 2 of 1,576,064 alleles (0.00013%); highest among the groups gnomAD compares: Non-Finnish European, 0.00017%; no homozygotes.

Submission:

Labcorp Genetics (formerly Invitae), Labcorp
Classification: Uncertain significance for Joubert syndrome 23; Short-rib thoracic dysplasia 14 with polydactyly. Last evaluated: 2022-03-12. Review status: criteria provided, single submitter. Criteria: Invitae Variant Classification Sherloc (09022015). Collection method: clinical testing. Allele origin: germline.
Comment: This variant is present in population databases (rs757277100, gnomAD 0.0009%). This sequence change replaces glycine, which is neutral and non-polar, with valine, which is neutral and non-polar, at codon 740 of the KIAA0586 protein (p.Gly740Val). This variant has not been reported in the literature in individuals affected with KIAA0586-related conditions. In summary, the available evidence is currently insufficient to determine the role of this variant in disease. Therefore, it has been classified as a Variant of Uncertain Significance. Algorithms developed to predict the effect of sequence changes on RNA splicing suggest that this variant may disrupt the consensus splice site. Algorithms developed to predict the effect of missense changes on protein structure and function are either unavailable or do not agree on the potential impact of this missense change (SIFT: "Deleterious"; PolyPhen-2: "Probably Damaging"; Align-GVGD: "Class C0").